The following is an entry in ClinVar:

NM_000460.4(THPO):c.684G>C (p.Lys228Asn)

Gene: THPO (thrombopoietin; minus strand). Cytogenetic location: 3q27.1.
Variant type: single nucleotide variant.
Coding change: c.684G>C on transcript NM_000460.4 (MANE Select); coding-DNA position 684, G replaced by C.
Protein change: p.Lys228Asn; replaces lysine 228 with asparagine.
Molecular consequence: missense variant.
Genome position (GRCh38, 1-based): chr3:184,372,891, C>G on the plus strand (G>C on the coding strand, the complement: THPO is on the minus strand). VCF-style: chr3-184372891-C-G. GRCh37 (hg19) VCF-style: chr3-184090679-C-G.
Other names: c.672G>C, p.Lys224Asn (NM_001177597.2, NM_001290022.1); c.667G>C, p.Asp223His (NM_001177598.2, NM_001290026.1); c.568G>C, p.Asp190His (NM_001289997.1, NM_001290027.1); c.684G>C, p.Lys228Asn (NM_001289998.1, NM_001290028.1); c.1104G>C, p.Lys368Asn (NM_001290003.1); short protein forms D190H, D223H, K224N, K228N, K368N.
Identifiers: ClinVar variation 3360812 (VCV003360812.1).

ClinVar aggregate classification (germline): Uncertain significance (1 of 4 stars; one submission).

gnomAD v4.1: 4 of 1,614,004 alleles (0.00025%); highest among the groups gnomAD compares: Non-Finnish European, 0.00034%; no homozygotes.

Submission:

GeneDx
Classification: Uncertain significance. Last evaluated: 2023-07-01. Review status: criteria provided, single submitter. Criteria: GeneDx Variant Classification Process June 2021. Collection method: clinical testing. Allele origin: germline. Affected: yes.
Comment: Not observed at significant frequency in large population cohorts (gnomAD); In silico analysis supports that this missense variant does not alter protein structure/function; Has not been previously published as pathogenic or benign to our knowledge